The following is an entry in ClinVar:

ClinVar aggregate classification (germline): Uncertain significance. Review status: criteria provided, multiple submitters, no conflicts (2 of 4 stars). 2 submissions from 2 submitters: Uncertain significance (2). Last evaluated 2023-01-24.

Conditions:
Familial sleep-related hypermotor epilepsy. Also called: Autosomal Dominant Sleep-Related Hypermotor (Hyperkinetic) Epilepsy. Identifiers: Orphanet 98784, MedGen C3696898, MONDO:0000030.

Submissions (2):

Labcorp Genetics (formerly Invitae), Labcorp
Classification: Uncertain significance. Last evaluated: 2023-01-24. Review status: criteria provided, single submitter. Criteria: Invitae Variant Classification Sherloc (09022015). Collection method: clinical testing. Allele origin: germline.
Comment: Experimental studies and prediction algorithms are not available or were not evaluated, and the functional significance of this variant is currently unknown. In summary, the available evidence is currently insufficient to determine the role of this variant in disease. Therefore, it has been classified as a Variant of Uncertain Significance. ClinVar contains an entry for this variant (Variation ID: 204985). This variant, c.887_889del, results in the deletion of 1 amino acid(s) of the CHRNA2 protein (p.Lys296del), but otherwise preserves the integrity of the reading frame. This variant is not present in population databases (gnomAD no frequency). This variant has not been reported in the literature in individuals affected with CHRNA2-related conditions. This variant has been observed in at least one individual who was not affected with CHRNA2-related conditions (Invitae).

GeneDx
Classification: Uncertain significance. Last evaluated: 2014-02-03. Review status: criteria provided, single submitter. Criteria: GeneDx Variant Classification (06012015). Collection method: clinical testing. Allele origin: germline. Affected: yes.
Comment: c.887_889delAGA: p.Lys296del (K296del) in exon 6 of the CHRNA2 gene (NM_000742.3). The normal sequence with the bases that are deleted in braces is: GAGA{AGA}TCAC. The c.887_889delAGA variant has not been published as a mutation, nor has it been reported as a benign polymorphism to our knowledge. It results in an in-frame deletion of a single Lysine residue at a conserved position between the first and second transmembrane domains of the protein. To date all pathogenic mutations in CHRNA2 are missense mutations within the transmembrane region of the protein (Steinlein et al., 2010). The variant is found in EPILEPSY panel(s).

NM_000742.4(CHRNA2):c.884AGA[1] (p.Lys296del)

Gene: CHRNA2 (cholinergic receptor nicotinic alpha 2 subunit; minus strand). Cytogenetic location: 8p21.2.
Variant type: Microsatellite.
Coding change: c.884AGA[1] on transcript NM_000742.4 (MANE Select); one copy of the 3-base unit AGA starting at c.884; the reference has two copies in a row; one copy, 3 bases deleted.
Protein change: p.Lys296del; deletes lysine 296.
Molecular consequence: inframe deletion.
Genome position (GRCh38, 1-based): chr8:27,463,554-27,463,556, TCT deleted on the plus strand (AGA on the coding strand, the reverse complement: CHRNA2 is on the minus strand); deleting any 3 consecutive bases within chr8:27,463,554-27,463,559 gives the same sequence; the position shown is the placement nearest the transcript's 3' end. VCF-style (leftmost placement, unchanged base first): chr8-27463553-ATCT-A. GRCh37 (hg19) VCF-style: chr8-27321070-ATCT-A.
Other names: c.839AGA[1], p.Lys281del (NM_001282455.2); c.407AGA[1], p.Lys137del (NM_001347705.2, NM_001347706.2); c.290AGA[1], p.Lys98del (NM_001347707.2, NM_001347708.2); short protein forms K296del, K98del, K137del, K281del.
Identifiers: ClinVar variation 204985 (VCV000204985.4), dbSNP rs796052309, ClinGen allele CA313492.
Genomic context (GRCh38, chr8:27,463,553, plus strand): 5'-ATCTCAGTGATGAGCAGCAGGAAGACGGTGAGTGACAGCAGCACCGAAATGCACAGCGTG[ATCT>A]TCTCGCCGCAGTCGGAGGGCAGGTAGAAGACCAGCACAGTGAGGCAGGAGATGAGCAGGC-3'